The following is an entry in ClinVar:

NM_001369.3(DNAH5):c.2479C>A (p.Arg827Ser)

Genes: DNAH5 (dynein axonemal heavy chain 5; minus strand), DNAH5-AS1 (DNAH5 antisense RNA 1; plus strand). Cytogenetic location: 5p15.2.
Variant type: single nucleotide variant.
Coding change: c.2479C>A on transcript NM_001369.3 (MANE Select); coding-DNA position 2479, C replaced by A.
Protein change: p.Arg827Ser; replaces arginine 827 with serine.
Molecular consequence: missense variant.
Genome position (GRCh38, 1-based): chr5:13,891,074, G>T on the plus strand (C>A on the coding strand, the complement: DNAH5 is on the minus strand). VCF-style: chr5-13891074-G-T. GRCh37 (hg19) VCF-style: chr5-13891183-G-T.
Other names: short protein forms R827S.
Identifiers: ClinVar variation 407261 (VCV000407261.13), dbSNP rs760986984, ClinGen allele CA16612015.

ClinVar aggregate classification (germline): Uncertain significance. Review status: criteria provided, single submitter (1 of 4 stars). 2 submissions from 2 submitters: Uncertain significance (1). 1 of the submissions does not count toward it. Last evaluated 2016-12-29.

Conditions:
Primary ciliary dyskinesia. Also called: Ciliary dyskinesia. Identifiers: Orphanet 244, MedGen C0008780, MONDO:0016575, HP:0012265.

gnomAD v4.1: 1 of 1,614,066 alleles (0.000062%); highest among the groups gnomAD compares: Non-Finnish European, 0.000085%; no homozygotes.

Submissions (2):

Labcorp Genetics (formerly Invitae), Labcorp
Classification: Uncertain significance for Primary ciliary dyskinesia. Last evaluated: 2016-12-29. Review status: criteria provided, single submitter. Criteria: Invitae Variant Classification Sherloc (09022015). Collection method: clinical testing. Allele origin: germline.
Comment: This sequence change replaces arginine with serine at codon 827 of the DNAH5 protein (p.Arg827Ser). The arginine residue is highly conserved and there is a moderate physicochemical difference between arginine and serine. This variant is not present in population databases (ExAC no frequency) and has not been reported in the literature in individuals with a DNAH5-related disease. Algorithms developed to predict the effect of missense changes on protein structure and function do not agree on the potential impact of this missense change (SIFT: "Deleterious"; PolyPhen-2: "Benign"; Align-GVGD: "Class C0"). In summary, this variant is a novel missense change with uncertain impact on protein function. It has been classified as a Variant of Uncertain Significance.

Natera, Inc.
Classification: Uncertain significance for Primary ciliary dyskinesia. Last evaluated: 2021-07-22. Review status: no assertion criteria provided. Collection method: clinical testing. Allele origin: germline. Not counted in ClinVar's aggregate classification.